The following is an entry in ClinVar:

NM_006947.4(SRP72):c.877G>A (p.Gly293Arg)

Gene: SRP72 (signal recognition particle 72; plus strand). Cytogenetic location: 4q12.
Variant type: single nucleotide variant.
Coding change: c.877G>A on transcript NM_006947.4 (MANE Select); coding-DNA position 877, G replaced by A.
Protein change: p.Gly293Arg; replaces glycine 293 with arginine.
Molecular consequence: missense variant. On other transcripts: non-coding transcript variant (1).
Genome position (GRCh38, 1-based): chr4:56,483,190, G>A. VCF-style: chr4-56483190-G-A. GRCh37 (hg19) VCF-style: chr4-57349356-G-A.
Other names: c.694G>A, p.Gly232Arg (NM_001267722.2); short protein forms G293R, G232R.
Identifiers: ClinVar variation 4174915 (VCV004174915.1).

ClinVar aggregate classification (germline): Uncertain significance (1 of 4 stars; one submission).

Submission:

Ambry Genetics
Classification: Uncertain significance. Last evaluated: 2025-07-02. Review status: criteria provided, single submitter. Criteria: Ambry Variant Classification Scheme 2023. Collection method: clinical testing. Allele origin: germline.
Comment: The p.G293R variant (also known as c.877G>A), located in coding exon 9 of the SRP72 gene, results from a G to A substitution at nucleotide position 877. The glycine at codon 293 is replaced by arginine, an amino acid with dissimilar properties. This amino acid position is conserved. In addition, this alteration is predicted to be deleterious by in silico analysis. Based on the available evidence, the clinical significance of this variant remains unclear.